The following is an entry in ClinVar:

NM_006922.4(SCN3A):c.4099A>G (p.Met1367Val)

Gene: SCN3A (sodium voltage-gated channel alpha subunit 3; minus strand). Cytogenetic location: 2q24.3.
Variant type: single nucleotide variant.
Coding change: c.4099A>G on transcript NM_006922.4 (MANE Select); coding-DNA position 4099, A replaced by G.
Protein change: p.Met1367Val; replaces methionine 1367 with valine.
Molecular consequence: missense variant.
Genome position (GRCh38, 1-based): chr2:165,097,392, T>C on the plus strand (A>G on the coding strand, the complement: SCN3A is on the minus strand). VCF-style: chr2-165097392-T-C. GRCh37 (hg19) VCF-style: chr2-165953902-T-C.
Other names: c.3952A>G, p.Met1318Val (NM_001081676.2, NM_001081677.2); short protein forms M1318V, M1367V.
Identifiers: ClinVar variation 3365671 (VCV003365671.1).

ClinVar aggregate classification (germline): Uncertain significance (1 of 4 stars; one submission).

Submission:

GeneDx
Classification: Uncertain significance. Last evaluated: 2023-12-13. Review status: criteria provided, single submitter. Criteria: GeneDx Variant Classification Process June 2021. Collection method: clinical testing. Allele origin: germline. Affected: yes.
Comment: Not observed at significant frequency in large population cohorts (gnomAD); In silico analysis supports that this missense variant does not alter protein structure/function; Has not been previously published as pathogenic or benign to our knowledge